The following is an entry in ClinVar:

NM_003242.6(TGFBR2):c.-117G>A

Genes: TGFBR2 (transforming growth factor beta receptor 2; plus strand), LOC129936399 (ATAC-STARR-seq lymphoblastoid silent region 14158; plus strand). Cytogenetic location: 3p24.1.
Variant type: single nucleotide variant.
Coding change: c.-117G>A on transcript NM_003242.6 (MANE Select); 117 bases upstream of the start codon, G replaced by A.
Molecular consequence: 5 prime UTR variant.
Genome position (GRCh38, 1-based): chr3:30,606,767, G>A. VCF-style: chr3-30606767-G-A. GRCh37 (hg19) VCF-style: chr3-30648259-G-A.
Other names: c.-117G>A (NM_001024847.3, NM_001407126.1, NM_001407127.1 and 4 more transcripts); c.-400G>A (NM_001407133.1); c.-278G>A (NM_001407134.1); c.-325G>A (NM_001407135.1); c.-410G>A (NM_001407136.1).
Identifiers: ClinVar variation 344654 (VCV000344654.7), dbSNP rs886058302, ClinGen allele CA10618391.

ClinVar aggregate classification (germline): Likely benign (1 of 4 stars; one submission).

Conditions:
Diabetic retinopathy. Identifiers: MedGen C0011884, MONDO:0005266.

Allele frequency attached by ClinVar (database versions not stated): gnomAD exomes below 0.00001; gnomAD 0.00001 and 0.00002; TOPMed 0.00004.
gnomAD v4.1: 5 of 738,608 alleles (0.00068%); highest among the groups gnomAD compares: Admixed American, 0.022%; no homozygotes.

Submission:

Clinical Genomics, Uppaluri K&H Personalized Medicine Clinic
Classification: Likely benign for Diabetic retinopathy. Review status: criteria provided, single submitter. Criteria: K And H Uppaluri Personalized Medicine Clinic Variant Classification And Assertion Criteria Updated V 2. Collection method: research. Allele origin: unknown.
Comment: Potent mutations in TGFBR2 gene encodes the transforming growth factor that have been associated with angiogenesis and diabetic retinopathy. More clinical studies are needed for stronger association. However, more evidence is required to confer the association of this particular variant rs886058302 with diabetic retinopathy.

Literature cited by the submitters: PubMed 30222965; PubMed 28162229; PubMed 34572573.